The following is an entry in ClinVar:

NM_139242.4(MTFMT):c.667T>A (p.Leu223Met)

Gene: MTFMT (mitochondrial methionyl-tRNA formyltransferase; minus strand). Cytogenetic location: 15q22.31.
Variant type: single nucleotide variant.
Coding change: c.667T>A on transcript NM_139242.4 (MANE Select); coding-DNA position 667, T replaced by A.
Protein change: p.Leu223Met; replaces leucine 223 with methionine.
Molecular consequence: missense variant.
Genome position (GRCh38, 1-based): chr15:65,020,251, A>T on the plus strand (T>A on the coding strand, the complement: MTFMT is on the minus strand). VCF-style: chr15-65020251-A-T. GRCh37 (hg19) VCF-style: chr15-65312589-A-T.
Other names: p.Leu223Met; short protein forms L223M.
Identifiers: ClinVar variation 516310 (VCV000516310.52), dbSNP rs188461284, ClinGen allele CA7613282.

ClinVar aggregate classification (germline): Benign/Likely benign. Review status: criteria provided, multiple submitters, no conflicts (2 of 4 stars). 6 submissions from 6 submitters: Benign (3); Likely benign (2). 1 of the submissions does not count toward it. Last evaluated 2026-02-01.

Conditions:
MTFMT-related disorder. Also called: MTFMT-related condition.

Allele frequency attached by ClinVar (database versions not stated): 1000 Genomes Project 30x 0.00094; 1000 Genomes Project 0.00120; TOPMed 0.00163; ESP Exome Variant Server 0.00275; ExAC 0.00311; gnomAD exomes 0.00333 and 0.00359; gnomAD 0.00362 and 0.00375.
gnomAD v4.1: 5,337 of 1,612,256 alleles (0.33%); highest among the groups gnomAD compares: Non-Finnish European, 0.29%; 25 homozygotes.

Submissions (6):

Labcorp Genetics (formerly Invitae), Labcorp
Classification: Benign. Last evaluated: 2026-02-01. Review status: criteria provided, single submitter. Criteria: Invitae Variant Classification Sherloc (09022015). Collection method: clinical testing. Allele origin: germline.

CeGaT Center for Human Genetics Tuebingen
Classification: Likely benign. Last evaluated: 2024-08-01. Review status: criteria provided, single submitter. Criteria: CeGaT Center For Human Genetics Tuebingen Variant Classification Criteria Version 2. Collection method: clinical testing. Allele origin: germline. Affected: yes. Observed: 7 variant alleles.
Comment: MTFMT: PM5, BS2

Mayo Clinic Laboratories, Mayo Clinic
Classification: Benign. Last evaluated: 2023-06-21. Review status: criteria provided, single submitter. Criteria: ACMG Guidelines, 2015. Collection method: clinical testing. Allele origin: germline. Observed: 10 variant alleles.
Comment: BA1, BS2

GeneDx
Classification: Benign. Last evaluated: 2017-11-16. Review status: criteria provided, single submitter. Criteria: GeneDx Variant Classification (06012015). Collection method: clinical testing. Allele origin: germline. Affected: yes.
Comment: This variant is considered likely benign or benign based on one or more of the following criteria: it is a conservative change, it occurs at a poorly conserved position in the protein, it is predicted to be benign by multiple in silico algorithms, and/or has population frequency not consistent with disease.

Breakthrough Genomics
Classification: Likely benign. Review status: criteria provided, single submitter. Criteria: ACMG Guidelines, 2015. Collection method: not provided. Allele origin: germline. Inheritance: Autosomal recessive inheritance. Affected: yes.

PreventionGenetics, part of Exact Sciences
Classification: Benign for MTFMT-related condition. Last evaluated: 2019-04-19. Review status: no assertion criteria provided. Collection method: clinical testing. Allele origin: germline. Not counted in ClinVar's aggregate classification.
Comment: This variant is classified as benign based on ACMG/AMP sequence variant interpretation guidelines (Richards et al. 2015 PMID: 25741868, with internal and published modifications).